The following is an entry in ClinVar:

NM_000553.6(WRN):c.1829A>C (p.Lys610Thr)

Gene: WRN (WRN RecQ like helicase; plus strand). Cytogenetic location: 8p12.
Variant type: single nucleotide variant.
Coding change: c.1829A>C on transcript NM_000553.6 (MANE Select); coding-DNA position 1829, A replaced by C.
Protein change: p.Lys610Thr; replaces lysine 610 with threonine.
Molecular consequence: missense variant.
Genome position (GRCh38, 1-based): chr8:31,090,942, A>C. VCF-style: chr8-31090942-A-C. GRCh37 (hg19) VCF-style: chr8-30948458-A-C.
Other names: short protein forms K610T.
Identifiers: ClinVar variation 950163 (VCV000950163.5), dbSNP rs906224040, ClinGen allele CA174865828.

ClinVar aggregate classification (germline): Uncertain significance (1 of 4 stars; one submission).

Conditions:
Werner syndrome (WRN). Identifiers: Orphanet 902, MedGen C0043119, MONDO:0010196, OMIM 277700.

Allele frequency attached by ClinVar (database versions not stated): gnomAD exomes below 0.00001; gnomAD 0.00001; TOPMed 0.00001.
gnomAD v4.1: 2 of 1,607,984 alleles (0.00012%); highest among the groups gnomAD compares: African/African-American, 0.0027%; no homozygotes.

Submission:

Labcorp Genetics (formerly Invitae), Labcorp
Classification: Uncertain significance for Werner syndrome. Last evaluated: 2019-06-09. Review status: criteria provided, single submitter. Criteria: Invitae Variant Classification Sherloc (09022015). Collection method: clinical testing. Allele origin: germline.
Comment: This sequence change replaces lysine with threonine at codon 610 of the WRN protein (p.Lys610Thr). The lysine residue is weakly conserved and there is a moderate physicochemical difference between lysine and threonine. In summary, the available evidence is currently insufficient to determine the role of this variant in disease. Therefore, it has been classified as a Variant of Uncertain Significance. Algorithms developed to predict the effect of missense changes on protein structure and function (SIFT, PolyPhen-2, Align-GVGD) all suggest that this variant is likely to be tolerated, but these predictions have not been confirmed by published functional studies and their clinical significance is uncertain. This variant has not been reported in the literature in individuals with WRN-related conditions. This variant is not present in population databases (ExAC no frequency).